The following is an entry in ClinVar:

ClinVar aggregate classification (germline): Conflicting classifications of pathogenicity. Review status: criteria provided, conflicting classifications (1 of 4 stars). 6 submissions from 6 submitters: Pathogenic (1); Likely pathogenic (1); Uncertain significance (4). Last evaluated 2025-12-23.

Conditions:
TSPEAR-related disorder. Also called: TSPEAR-related condition.
Ectodermal dysplasia 14, hair/tooth type with or without hypohidrosis. Identifiers: Orphanet 685067, MedGen C4748560, MONDO:0032584, OMIM 618180.

Allele frequency attached by ClinVar (database versions not stated): ExAC 0.00006; gnomAD 0.00006; TOPMed 0.00006; gnomAD exomes 0.00007 and 0.00018.
gnomAD v4.1: 271 of 1,613,422 alleles (0.017%); highest among the groups gnomAD compares: Non-Finnish European, 0.022%; no homozygotes.

Submissions (6):

Labcorp Genetics (formerly Invitae), Labcorp
Classification: Pathogenic. Last evaluated: 2025-12-23. Review status: criteria provided, single submitter. Criteria: Invitae Variant Classification Sherloc (09022015). Collection method: clinical testing. Allele origin: germline.
Comment: This sequence change replaces serine, which is neutral and polar, with isoleucine, which is neutral and non-polar, at codon 585 of the TSPEAR protein (p.Ser585Ile). This variant also falls at the last nucleotide of exon 10, which is part of the consensus splice site for this exon. This variant is present in population databases (rs782716325, gnomAD 0.01%). This missense change has been observed in individual(s) with clinical features consistent with ectodermal dysplasia (PMID: 34042254; internal data). In at least one individual the data is consistent with being in trans (on the opposite chromosome) from a pathogenic variant. ClinVar contains an entry for this variant (Variation ID: 597169). An algorithm developed to predict the effect of missense changes on protein structure and function (PolyPhen-2) suggests that this variant is likely to be disruptive. Variants that disrupt the consensus splice site are a relatively common cause of aberrant splicing (PMID: 17576681, 9536098). Algorithms developed to predict the effect of sequence changes on RNA splicing suggest that this variant may disrupt the consensus splice site. For these reasons, this variant has been classified as Pathogenic.

Blueprint Genetics
Classification: Likely pathogenic for TSPEAR-related disorders. Last evaluated: 2024-10-02. Review status: criteria provided, single submitter. Criteria: ACMG Guidelines, 2015. Collection method: clinical testing. Allele origin: germline. Affected: yes. Observed: 5 variant alleles.

GeneDx
Classification: Uncertain significance. Last evaluated: 2024-03-07. Review status: criteria provided, single submitter. Criteria: GeneDx Variant Classification Process June 2021. Collection method: clinical testing. Allele origin: germline.
Comment: In silico analysis supports that this missense variant has a deleterious effect on protein structure/function, but is inconclusive as to whether the variant alters gene splicing; in the absence of RNA/functional studies, the actual effect of this sequence change is unknown; This variant is associated with the following publications: (PMID: Jackson[CaseReport]2023, 37009414, 34042254)

Duke University Health System Sequencing Clinic, Duke University Health System
Classification: Uncertain significance for Ectodermal dysplasia 14, hair/tooth type with or without hypohidrosis. Last evaluated: 2023-04-20. Review status: criteria provided, single submitter. Criteria: ACMG Guidelines, 2015. Collection method: research. Allele origin: maternal. Affected: yes.

Victorian Clinical Genetics Services, Murdoch Childrens Research Institute
Classification: Uncertain significance for Ectodermal dysplasia 14, hair/tooth type with or without hypohidrosis. Last evaluated: 2020-06-11. Review status: criteria provided, single submitter. Criteria: ACMG Guidelines, 2015. Collection method: clinical testing. Allele origin: germline. Inheritance: Autosomal recessive inheritance. Affected: yes.
Comment: Based on the classification scheme VCGS_Germline_v1.1.1, this variant is classified as 3A-VUS. Following criteria are met: 0102 - Loss-of-function is a known mechanism of disease for this gene. (N) 0106 - This gene is known to be associated with autosomal recessive disease. (N) 0200 - Variant is predicted to result in a missense amino acid change from serine to isoleucine (exon 10). (N) 0212 - Non-canonical splice variant without proven consequence on splicing (no functional evidence available). (P) 0251 - Variant is heterozygous. (N) 0304 - Variant is present in gnomAD <0.01 for a recessive condition (19 heterozygotes, 0 homozygotes). (P) 0501 - Missense variant consistently predicted to be damaging by multiple in silico tools or highly conserved with a major amino acid change. (N) 0505 - Abnormal splicing is predicted by expert analyses and affected nucleotide is highly conserved. (P) 0600 - Variant is located in an annotated domain or motif (EPTP domain; NDBI, PDB). (N) 0705 - No comparable variants have previous evidence for pathogenicity. (N) 0804 - Variant has previously been described as variant of uncertain significance (ClinVar). (N) 0905 - No segregation evidence has been identified for this variant. (N) 1007 - No published functional evidence has been identified for this variant. (N) 1201 - Heterozygous variant detected in trans with a second (at least likely) pathogenic heterozygous variant in a recessive disease. (N) Legend: (P) - Pathogenic, (N) - Neutral, (B) - Benign

Eurofins Ntd Llc (ga)
Classification: Uncertain significance. Last evaluated: 2018-05-29. Review status: criteria provided, single submitter. Criteria: EGL ClinVar v180209 classification definitions. Collection method: clinical testing. Allele origin: germline. Observed: 1 variant allele, 1 heterozygote.

Literature cited by the submitters: PubMed 34042254 (cited by Labcorp Genetics (formerly Invitae), Labcorp and Duke University Health System Sequencing Clinic, Duke University Health System); PubMed 17576681 (cited by Labcorp Genetics (formerly Invitae), Labcorp); PubMed 9536098 (cited by Labcorp Genetics (formerly Invitae), Labcorp).

NM_144991.3(TSPEAR):c.1754G>T (p.Ser585Ile)

Genes: TSPEAR (thrombospondin type laminin G domain and EAR repeats; minus strand), TSPEAR-AS1 (TSPEAR antisense RNA 1; plus strand), LOC126653398 (CDK7 strongly-dependent group 2 enhancer GRCh37_chr21:45928270-45929469; plus strand). Cytogenetic location: 21q22.3.
Variant type: single nucleotide variant.
Coding change: c.1754G>T on transcript NM_144991.3 (MANE Select); coding-DNA position 1754, G replaced by T.
Protein change: p.Ser585Ile; replaces serine 585 with isoleucine.
Molecular consequence: missense variant.
Genome position (GRCh38, 1-based): chr21:44,509,199, C>A on the plus strand (G>T on the coding strand, the complement: TSPEAR is on the minus strand). VCF-style: chr21-44509199-C-A. GRCh37 (hg19) VCF-style: chr21-45929082-C-A.
Other names: c.1550G>T, p.Ser517Ile (NM_001272037.2); short protein forms S585I, S517I.
Identifiers: ClinVar variation 597169 (VCV000597169.16), dbSNP rs782716325, ClinGen allele CA10056396.